The following is an entry in ClinVar:

NM_000245.4(MET):c.2264+5G>A

Gene: MET (MET proto-oncogene, receptor tyrosine kinase; plus strand). Cytogenetic location: 7q31.2.
Variant type: single nucleotide variant.
Coding change: c.2264+5G>A on transcript NM_000245.4 (MANE Select); 5 bases into the intron after coding-DNA position 2264, G replaced by A.
Molecular consequence: intron variant.
Genome position (GRCh38, 1-based): chr7:116,758,625, G>A. VCF-style: chr7-116758625-G-A. GRCh37 (hg19) VCF-style: chr7-116398679-G-A.
Other names: c.2264+5G>A (NM_001127500.3, NM_001324401.3); c.974+5G>A (NM_001324402.2).
Identifiers: ClinVar variation 847600 (VCV000847600.8), dbSNP rs745547523, ClinGen allele CA4448427.

ClinVar aggregate classification (germline): Uncertain significance. Review status: criteria provided, multiple submitters, no conflicts (2 of 4 stars). 2 submissions from 2 submitters: Uncertain significance (2). Last evaluated 2025-09-16.

Conditions:
Renal cell carcinoma. Identifiers: Orphanet 217071, MedGen C0007134, MeSH D002292, MONDO:0005086, HP:0005584.
Hereditary cancer-predisposing syndrome. Also called: Tumor predisposition; Hereditary neoplastic syndrome; Neoplastic Syndromes, Hereditary; Hereditary Cancer Syndrome. Identifiers: Orphanet 140162, MedGen C0027672, MeSH D009386, MONDO:0015356.

Allele frequency attached by ClinVar (database versions not stated): ExAC 0.00001; gnomAD exomes 0.00001.
gnomAD v4.1: 2 of 1,613,008 alleles (0.00012%); highest among the groups gnomAD compares: Non-Finnish European, 0.00017%; no homozygotes.

Submissions (2):

Ambry Genetics
Classification: Uncertain significance for Hereditary cancer-predisposing syndrome. Last evaluated: 2025-09-16. Review status: criteria provided, single submitter. Criteria: Ambry Variant Classification Scheme 2023. Collection method: clinical testing. Allele origin: germline.
Comment: The c.2264+5G>A intronic variant results from a G to A substitution 5 nucleotides after coding exon 8 in the MET gene. This nucleotide position is highly conserved in available vertebrate species. In silico splice site analysis predicts that this alteration will not have any significant effect on splicing. Based on the available evidence, the clinical significance of this variant remains unclear.

Labcorp Genetics (formerly Invitae), Labcorp
Classification: Uncertain significance for Renal cell carcinoma. Last evaluated: 2019-03-25. Review status: criteria provided, single submitter. Criteria: Invitae Variant Classification Sherloc (09022015). Collection method: clinical testing. Allele origin: germline.
Comment: In summary, the available evidence is currently insufficient to determine the role of this variant in disease. Therefore, it has been classified as a Variant of Uncertain Significance. Nucleotide substitutions within the consensus splice site are a relatively common cause of aberrant splicing (PMID: 17576681, 9536098). Algorithms developed to predict the effect of sequence changes on RNA splicing suggest that this variant may disrupt the consensus splice site, but this prediction has not been confirmed by published transcriptional studies. This variant has not been reported in the literature in individuals with MET-related conditions. This variant is present in population databases (rs745547523, ExAC 0.002%). This sequence change falls in intron 9 of the MET gene. It does not directly change the encoded amino acid sequence of the MET protein, but it affects a nucleotide within the consensus splice site of the intron.

Literature cited by the submitters: PubMed 17576681 (cited by Labcorp Genetics (formerly Invitae), Labcorp); PubMed 9536098 (cited by Labcorp Genetics (formerly Invitae), Labcorp).